The following is an entry in ClinVar:

NM_001220.5(CAMK2B):c.1331C>G (p.Pro444Arg)

Gene: CAMK2B (calcium/calmodulin dependent protein kinase II beta; minus strand). Cytogenetic location: 7p13.
Variant type: single nucleotide variant.
Coding change: c.1331C>G on transcript NM_001220.5 (MANE Select); coding-DNA position 1331, C replaced by G.
Protein change: p.Pro444Arg; replaces proline 444 with arginine.
Molecular consequence: missense variant. On other transcripts: intron variant (8).
Genome position (GRCh38, 1-based): chr7:44,229,396, G>C on the plus strand (C>G on the coding strand, the complement: CAMK2B is on the minus strand). VCF-style: chr7-44229396-G-C. GRCh37 (hg19) VCF-style: chr7-44268995-G-C.
Other names: c.947-8495C>G (NM_172084.3); c.1150+1610C>G (NM_172080.3); c.1036+1610C>G (NM_172083.3); c.1108+1610C>G (NM_172081.3); c.1153+1610C>G (NM_172079.3, NM_172082.3); c.1225+1610C>G (NM_001293170.2, NM_172078.3); c.1331C>G (NM_001220.4); short protein forms P444R.
Identifiers: ClinVar variation 3700366 (VCV003700366.4).

ClinVar aggregate classification (germline): Conflicting classifications of pathogenicity. Review status: criteria provided, conflicting classifications (1 of 4 stars). 3 submissions from 3 submitters: Uncertain significance (1); Likely benign (2). Last evaluated 2025-07-22.

Conditions:
Inborn genetic diseases. Identifiers: MedGen C0950123, MeSH D030342.

Submissions (3):

GeneDx
Classification: Uncertain significance. Last evaluated: 2025-07-22. Review status: criteria provided, single submitter. Criteria: GeneDx Variant Classification Process June 2021. Collection method: clinical testing. Allele origin: germline. Affected: yes.
Comment: Not observed at significant frequency in large population cohorts (gnomAD); In silico analysis suggests that this missense variant does not alter protein structure/function; Has not been previously published as pathogenic or benign to our knowledge

Labcorp Genetics (formerly Invitae), Labcorp
Classification: Likely benign. Last evaluated: 2025-04-07. Review status: criteria provided, single submitter. Criteria: Invitae Variant Classification Sherloc (09022015). Collection method: clinical testing. Allele origin: germline.

Ambry Genetics
Classification: Likely benign for Inborn genetic diseases. Last evaluated: 2025-01-21. Review status: criteria provided, single submitter. Criteria: Ambry Variant Classification Scheme 2023. Collection method: clinical testing. Allele origin: germline.